The following is an entry in ClinVar:

NM_000038.6(APC):c.7664C>A (p.Ser2555Ter)

Gene: APC (APC regulator of Wnt signaling pathway; plus strand). Cytogenetic location: 5q22.2.
Variant type: single nucleotide variant.
Coding change: c.7664C>A on transcript NM_000038.6 (MANE Select); coding-DNA position 7664, C replaced by A.
Protein change: p.Ser2555Ter; replaces serine 2555 with a stop codon.
Molecular consequence: nonsense.
Genome position (GRCh38, 1-based): chr5:112,843,258, C>A. VCF-style: chr5-112843258-C-A. GRCh37 (hg19) VCF-style: chr5-112178955-C-A.
Other names: c.7664C>A, p.Ser2555Ter (NM_001127510.3, NM_001354895.2, NM_001407450.1); c.7610C>A, p.Ser2537Ter (NM_001127511.3); c.7718C>A, p.Ser2573Ter (NM_001354896.2, NM_001407447.1, NM_001407448.1 and 1 more transcripts); c.7694C>A, p.Ser2565Ter (NM_001354897.2); c.7589C>A, p.Ser2530Ter (NM_001354898.2); c.7580C>A, p.Ser2527Ter (NM_001354899.2); c.7541C>A, p.Ser2514Ter (NM_001354900.2); c.7487C>A, p.Ser2496Ter (NM_001354901.2, NM_001407453.1); and 11 more; short protein forms S2395*, S2429*, S2472*, S2496*, S2573*, S2272*, S2464*, S2527*.
Identifiers: ClinVar variation 1760046 (VCV001760046.2), dbSNP rs1554088582, ClinGen allele CA16037982.

ClinVar aggregate classification (germline): Likely pathogenic (1 of 4 stars; one submission).

Conditions:
Hereditary cancer-predisposing syndrome. Also called: Neoplastic Syndromes, Hereditary; Tumor predisposition; Hereditary Cancer Syndrome; Hereditary neoplastic syndrome. Identifiers: Orphanet 140162, MedGen C0027672, MeSH D009386, MONDO:0015356.

Submission:

Ambry Genetics
Classification: Likely pathogenic for Hereditary cancer-predisposing syndrome. Last evaluated: 2022-04-20. Review status: criteria provided, single submitter. Criteria: Ambry Variant Classification Scheme 2023. Collection method: clinical testing. Allele origin: germline.
Comment: The p.S2555* variant (also known as c.7664C>A), located in coding exon 15 of the APC gene, results from a C to A substitution at nucleotide position 7664. This changes the amino acid from a serine to a stop codon within coding exon 15. This alteration occurs at the 3' terminus of the APC gene, is not expected to trigger nonsense-mediated mRNA decay, and only impacts approximately 10% of the protein. However, premature stop codons are typically deleterious in nature, and structural analysis suggests this deletion removes a known motif (Thr2841-Ser2842-Val2843) needed for protein binding involved in regulation of protein function (Slep KC et al, PLoS ONE 2012; 7(11):e50097; Zhang Z et al, PLoS ONE 2011; 6(8):e23507). This variant is considered to be rare based on population cohorts in the Genome Aggregation Database (gnomAD). Based on the majority of available evidence to date, this variant is likely to be pathogenic.